The following is an entry in ClinVar:

NM_015909.4(NBAS):c.5268C>T (p.His1756=)

Gene: NBAS (NBAS subunit of NRZ tethering complex; minus strand). Cytogenetic location: 2p24.3.
Variant type: single nucleotide variant.
Coding change: c.5268C>T on transcript NM_015909.4 (MANE Select); coding-DNA position 5268, C replaced by T.
Protein change: p.His1756=; no amino-acid change (histidine 1756 retained).
Molecular consequence: synonymous variant. On other transcripts: non-coding transcript variant (1).
Genome position (GRCh38, 1-based): chr2:15,276,972, G>A on the plus strand (C>T on the coding strand, the complement: NBAS is on the minus strand). VCF-style: chr2-15276972-G-A. GRCh37 (hg19) VCF-style: chr2-15417096-G-A.
Identifiers: ClinVar variation 1578755 (VCV001578755.18), dbSNP rs759123968, ClinGen allele CA1535344.

ClinVar aggregate classification (germline): Likely benign. Review status: criteria provided, multiple submitters, no conflicts (2 of 4 stars). 2 submissions from 2 submitters: Likely benign (2). Last evaluated 2025-08-07.

Allele frequency attached by ClinVar (database versions not stated): ExAC 0.00001; gnomAD exomes 0.00002; gnomAD 0.00003; TOPMed 0.00005.
gnomAD v4.1: 135 of 1,613,808 alleles (0.0084%); highest among the groups gnomAD compares: Non-Finnish European, 0.01%; no homozygotes.

Submissions (2):

Labcorp Genetics (formerly Invitae), Labcorp
Classification: Likely benign. Last evaluated: 2025-08-07. Review status: criteria provided, single submitter. Criteria: Invitae Variant Classification Sherloc (09022015). Collection method: clinical testing. Allele origin: germline.

CeGaT Center for Human Genetics Tuebingen
Classification: Likely benign. Last evaluated: 2025-05-01. Review status: criteria provided, single submitter. Criteria: CeGaT Center For Human Genetics Tuebingen Variant Classification Criteria Version 2. Collection method: clinical testing. Allele origin: germline. Affected: yes. Observed: 1 variant allele.
Comment: NBAS: BP4, BP7